The following is an entry in ClinVar:

NM_001040616.3(LINS1):c.2134del (p.Arg711_Ile712insTer)

Gene: LINS1 (lines homolog 1; minus strand). Cytogenetic location: 15q26.3.
Variant type: Deletion.
Coding change: c.2134del on transcript NM_001040616.3 (MANE Select); coding-DNA position 2134, one base deleted (A; older notation c.2134delA).
Protein change: p.Arg711_Ile712insTer.
Molecular consequence: nonsense. On other transcripts: non-coding transcript variant (3).
Genome position (GRCh38, 1-based): chr15:100,569,378, T deleted on the plus strand (A on the coding strand, the reverse complement: LINS1 is on the minus strand); the first of 2 consecutive T bases (chr15:100,569,378-100,569,379); deleting either gives the same sequence. VCF-style (leftmost placement, unchanged base first): chr15-100569377-AT-A. GRCh37 (hg19) VCF-style: chr15-101109582-AT-A.
Other names: c.1387del, p.Arg462_Ile463insTer (NM_001352507.2); c.1981del, p.Arg660_Ile661insTer (NM_001352508.2).
Identifiers: ClinVar variation 3257737 (VCV003257737.1).

ClinVar aggregate classification (germline): Likely pathogenic (1 of 4 stars; one submission).

Conditions:
Intellectual developmental disorder, autosomal recessive 27. Also called: Mental retardation, autosomal recessive 27; Intellectual disability, autosomal recessive 27. Identifiers: Orphanet 88616, MedGen C3280538, MONDO:0013702, OMIM 614340.

Submission:

Institute of Immunology and Genetics Kaiserslautern
Classification: Likely pathogenic for Intellectual developmental disorder, autosomal recessive 27. Last evaluated: 2024-07-10. Review status: criteria provided, single submitter. Criteria: ACMG Guidelines, 2015. Collection method: clinical testing. Allele origin: biparental. Affected: yes.
Comment: ACMG Criteria:PVS1, PM2; Variant was found in homozygous state.